The following is an entry in ClinVar:

NM_000051.4(ATM):c.440_441del (p.Lys147fs)

Gene: ATM (ATM serine/threonine kinase; plus strand). Cytogenetic location: 11q22.3.
Variant type: Deletion.
Coding change: c.440_441del on transcript NM_000051.4 (MANE Select); coding-DNA positions 440 to 441, 2 bases deleted (AA; older notation c.440_441delAA).
Protein change: p.Lys147fs; shifts the reading frame from lysine 147.
Molecular consequence: frameshift variant.
Genome position (GRCh38, 1-based): chr11:108,235,778-108,235,779, AA deleted; deleting any 2 consecutive bases within chr11:108,235,777-108,235,779 gives the same sequence; the c. name uses the placement nearest the transcript's 3' end. VCF-style (leftmost placement, unchanged base first): chr11-108235776-CAA-C. GRCh37 (hg19) VCF-style: chr11-108106503-CAA-C.
Other names: c.440_441del, p.Lys147fs (NM_001351834.2); short protein forms K147fs.
Identifiers: ClinVar variation 1740330 (VCV001740330.2), dbSNP rs1427164968, ClinGen allele CA2580083037.

ClinVar aggregate classification (germline): Pathogenic (1 of 4 stars; one submission).

Conditions:
Hereditary cancer-predisposing syndrome. Also called: Hereditary Cancer Syndrome; Hereditary neoplastic syndrome; Neoplastic Syndromes, Hereditary; Tumor predisposition. Identifiers: Orphanet 140162, MedGen C0027672, MeSH D009386, MONDO:0015356.

Submission:

Ambry Genetics
Classification: Pathogenic for Hereditary cancer-predisposing syndrome. Last evaluated: 2022-05-06. Review status: criteria provided, single submitter. Criteria: Ambry Variant Classification Scheme 2023. Collection method: clinical testing. Allele origin: germline.
Comment: The c.440_441delAA pathogenic mutation, located in coding exon 4 of the ATM gene, results from a deletion of two nucleotides at nucleotide positions 440 to 441, causing a translational frameshift with a predicted alternate stop codon (p.K147Rfs*11). This variant is considered to be rare based on population cohorts in the Genome Aggregation Database (gnomAD). This alteration is expected to result in loss of function by premature protein truncation or nonsense-mediated mRNA decay. As such, this alteration is interpreted as a disease-causing mutation.